The following is an entry in ClinVar:

ClinVar aggregate classification (germline): Uncertain significance (1 of 4 stars; one submission).

Submission:

GeneDx
Classification: Uncertain significance. Last evaluated: 2025-03-11. Review status: criteria provided, single submitter. Criteria: GeneDx Variant Classification Process June 2021. Collection method: clinical testing. Allele origin: germline. Affected: yes.
Comment: Not observed at significant frequency in large population cohorts (gnomAD); In silico analysis supports that this missense variant has a deleterious effect on protein structure/function; Has not been previously published as pathogenic or benign to our knowledge

NM_021954.4(GJA3):c.598A>G (p.Lys200Glu)

Gene: GJA3 (gap junction protein alpha 3; minus strand). Cytogenetic location: 13q12.11.
Variant type: single nucleotide variant.
Coding change: c.598A>G on transcript NM_021954.4 (MANE Select); coding-DNA position 598, A replaced by G.
Protein change: p.Lys200Glu; replaces lysine 200 with glutamic acid.
Molecular consequence: missense variant.
Genome position (GRCh38, 1-based): chr13:20,142,691, T>C on the plus strand (A>G on the coding strand, the complement: GJA3 is on the minus strand). VCF-style: chr13-20142691-T-C. GRCh37 (hg19) VCF-style: chr13-20716830-T-C.
Other names: short protein forms K200E.
Identifiers: ClinVar variation 4083167 (VCV004083167.1).